The following is an entry in ClinVar:

ClinVar aggregate classification (germline): Benign/Likely benign. Review status: criteria provided, multiple submitters, no conflicts (2 of 4 stars). 4 submissions from 4 submitters: Benign (2); Likely benign (1). 1 of the submissions does not count toward it. Last evaluated 2026-09-01.

Conditions:
PEHO-like syndrome. Also called: PROGRESSIVE ENCEPHALOPATHY WITH EDEMA, HYPSARRHYTHMIA, AND OPTIC ATROPHY-LIKE SYNDROME. Identifiers: Orphanet 99807, MedGen C1850056, MONDO:0020495, OMIM 617507.
CCDC88A-related disorder. Also called: CCDC88A-related condition.

Allele frequency attached by ClinVar (database versions not stated): ExAC 0.01246; 1000 Genomes Project 0.00260; 1000 Genomes Project 30x 0.00312; TOPMed 0.00659; gnomAD 0.00711 and 0.00736; gnomAD exomes 0.00738 and 0.01122; ESP Exome Variant Server 0.01088.
gnomAD v4.1: 14,338 of 1,349,318 alleles (1.1%); highest among the groups gnomAD compares: Non-Finnish European, 1.4%; 98 homozygotes.

Submissions (4):

CeGaT Center for Human Genetics Tuebingen
Classification: Benign. Last evaluated: 2026-09-01. Review status: criteria provided, single submitter. Criteria: CeGaT Center For Human Genetics Tuebingen Variant Classification Criteria Version 2. Collection method: clinical testing. Allele origin: germline. Affected: yes. Observed: 11 variant alleles.
Comment: CCDC88A: BP4, BS1, BS2

Labcorp Genetics (formerly Invitae), Labcorp
Classification: Benign. Last evaluated: 2026-02-03. Review status: criteria provided, single submitter. Criteria: Invitae Variant Classification Sherloc (09022015). Collection method: clinical testing. Allele origin: germline.

Fulgent Genetics
Classification: Likely benign for PEHO-like syndrome. Last evaluated: 2022-05-26. Review status: criteria provided, single submitter. Criteria: ACMG Guidelines, 2015. Collection method: clinical testing. Allele origin: unknown.

PreventionGenetics, part of Exact Sciences
Classification: Benign for CCDC88A-related condition. Last evaluated: 2019-07-18. Review status: no assertion criteria provided. Collection method: clinical testing. Allele origin: germline. Not counted in ClinVar's aggregate classification.
Comment: This variant is classified as benign based on ACMG/AMP sequence variant interpretation guidelines (Richards et al. 2015 PMID: 25741868, with internal and published modifications).

NM_001365480.1(CCDC88A):c.403-7A>G

Gene: CCDC88A (coiled-coil and HOOK domain protein 88A; minus strand). Cytogenetic location: 2p16.1.
Variant type: single nucleotide variant.
Coding change: c.403-7A>G on transcript NM_001365480.1 (MANE Select); 7 bases into the intron before coding-DNA position 403, A replaced by G.
Molecular consequence: intron variant.
Genome position (GRCh38, 1-based): chr2:55,364,040, T>C on the plus strand (A>G on the coding strand, the complement: CCDC88A is on the minus strand). VCF-style: chr2-55364040-T-C. GRCh37 (hg19) VCF-style: chr2-55591176-T-C.
Other names: c.403-7A>G (NM_001254943.2, NM_001135597.2, NM_018084.5 and 1 more transcripts).
Identifiers: ClinVar variation 1534144 (VCV001534144.33), dbSNP rs41281505, ClinGen allele CA1666388.